The following is an entry in ClinVar:

ClinVar aggregate classification (germline): Likely benign. Review status: criteria provided, multiple submitters, no conflicts (2 of 4 stars). 2 submissions from 2 submitters: Likely benign (2). Last evaluated 2026-02-09.

Conditions:
UNC45A-related disorder. Also called: UNC45A-related condition.

Allele frequency attached by ClinVar (database versions not stated): 1000 Genomes Project 30x 0.00016; 1000 Genomes Project 0.00020; ESP Exome Variant Server 0.00023.
gnomAD v4.1: 97 of 1,613,614 alleles (0.006%); highest among the groups gnomAD compares: African/African-American, 0.11%; no homozygotes.

Submissions (2):

PreventionGenetics, part of Exact Sciences
Classification: Likely benign for UNC45A-related condition. Last evaluated: 2026-02-09. Review status: criteria provided, single submitter. Criteria: ACMG Guidelines, 2015. Collection method: clinical testing. Allele origin: germline.
Comment: This variant is classified as likely benign based on ACMG/AMP sequence variant interpretation guidelines (Richards et al. 2015 PMID: 25741868, with internal and published modifications).

Labcorp Genetics (formerly Invitae), Labcorp
Classification: Likely benign. Last evaluated: 2025-12-28. Review status: criteria provided, single submitter. Criteria: Invitae Variant Classification Sherloc (09022015). Collection method: clinical testing. Allele origin: germline.

NM_018671.5(UNC45A):c.2436C>T (p.Phe812=)

Genes: UNC45A (unc-45 myosin chaperone A; plus strand), RCCD1-AS1 (RCCD1 and UNC45A antisense RNA 1; minus strand). Cytogenetic location: 15q26.1.
Variant type: single nucleotide variant.
Coding change: c.2436C>T on transcript NM_018671.5 (MANE Select); coding-DNA position 2436, C replaced by T.
Protein change: p.Phe812=; no amino-acid change (phenylalanine 812 retained).
Molecular consequence: synonymous variant. On other transcripts: non-coding transcript variant (1).
Genome position (GRCh38, 1-based): chr15:90,953,169, C>T. VCF-style: chr15-90953169-C-T. GRCh37 (hg19) VCF-style: chr15-91496399-C-T.
Other names: c.2391C>T, p.Phe797= (NM_001039675.2, NM_001323621.2); c.2436C>T, p.Phe812= (NM_001323619.1); c.2001C>T, p.Phe667= (NM_001323620.2).
Identifiers: ClinVar variation 1563380 (VCV001563380.9), dbSNP rs147797974, ClinGen allele CA7743308.